The following is an entry in ClinVar:

NM_001161352.2(KCNMA1):c.1831G>C (p.Val611Leu)

Gene: KCNMA1 (potassium calcium-activated channel subfamily M alpha 1; minus strand). Cytogenetic location: 10q22.3.
Variant type: single nucleotide variant.
Coding change: c.1831G>C on transcript NM_001161352.2 (MANE Select); coding-DNA position 1831, G replaced by C.
Protein change: p.Val611Leu; replaces valine 611 with leucine.
Molecular consequence: missense variant.
Genome position (GRCh38, 1-based): chr10:77,039,556, C>G on the plus strand (G>C on the coding strand, the complement: KCNMA1 is on the minus strand). VCF-style: chr10-77039556-C-G. GRCh37 (hg19) VCF-style: chr10-78799314-C-G.
Other names: c.1831G>C, p.Val611Leu (NM_001014797.3, NM_001161353.2, NM_001271519.2 and 7 more transcripts); c.1669G>C, p.Val557Leu (NM_001271518.2); c.1291G>C, p.Val431Leu (NM_001322838.2); short protein forms V431L, V557L, V611L.
Identifiers: ClinVar variation 976127 (VCV000976127.7), dbSNP rs200668674, ClinGen allele CA377410044.

ClinVar aggregate classification (germline): Uncertain significance. Review status: criteria provided, multiple submitters, no conflicts (2 of 4 stars). 2 submissions from 2 submitters: Uncertain significance (2). Last evaluated 2023-02-10.

Conditions:
Generalized epilepsy-paroxysmal dyskinesia syndrome (PNKD3). Also called: Generalized epilepsy and paroxysmal dyskinesia; Paroxysmal nonkinesigenic dyskinesia, 3, with or without generalized epilepsy. Identifiers: Orphanet 79137, MedGen C5574945, MONDO:0012276, OMIM 609446.

Allele frequency attached by ClinVar (database versions not stated): TOPMed below 0.00001.
gnomAD v4.1: 3 of 1,610,264 alleles (0.00019%); highest among the groups gnomAD compares: African/African-American, 0.0027%; no homozygotes.

Submissions (2):

Labcorp Genetics (formerly Invitae), Labcorp
Classification: Uncertain significance for Generalized epilepsy-paroxysmal dyskinesia syndrome. Last evaluated: 2023-02-10. Review status: criteria provided, single submitter. Criteria: Invitae Variant Classification Sherloc (09022015). Collection method: clinical testing. Allele origin: germline.
Comment: This variant is not present in population databases (gnomAD no frequency). In summary, the available evidence is currently insufficient to determine the role of this variant in disease. Therefore, it has been classified as a Variant of Uncertain Significance. Advanced modeling of protein sequence and biophysical properties (such as structural, functional, and spatial information, amino acid conservation, physicochemical variation, residue mobility, and thermodynamic stability) performed at Invitae indicates that this missense variant is not expected to disrupt KCNMA1 protein function. ClinVar contains an entry for this variant (Variation ID: 976127). This variant has not been reported in the literature in individuals affected with KCNMA1-related conditions. This sequence change replaces valine, which is neutral and non-polar, with leucine, which is neutral and non-polar, at codon 611 of the KCNMA1 protein (p.Val611Leu).

Institute of Human Genetics, University of Leipzig Medical Center
Classification: Uncertain significance for Generalized epilepsy-paroxysmal dyskinesia syndrome. Last evaluated: 2018-07-17. Review status: criteria provided, single submitter. Criteria: ACMG Guidelines, 2015. Collection method: clinical testing. Allele origin: germline. Affected: yes. Observed: 1 variant allele.